The following is an entry in ClinVar:

NM_000426.4(LAMA2):c.4263A>G (p.Gln1421=)

Gene: LAMA2 (laminin subunit alpha 2; plus strand). Cytogenetic location: 6q22.33.
Variant type: single nucleotide variant.
Coding change: c.4263A>G on transcript NM_000426.4 (MANE Select); coding-DNA position 4263, A replaced by G.
Protein change: p.Gln1421=; no amino-acid change (glutamine 1421 retained).
Molecular consequence: synonymous variant.
Genome position (GRCh38, 1-based): chr6:129,328,364, A>G. VCF-style: chr6-129328364-A-G. GRCh37 (hg19) VCF-style: chr6-129649509-A-G.
Other names: p.Gln1421=; c.4263A>G, p.Gln1421= (NM_001079823.2).
Identifiers: ClinVar variation 477471 (VCV000477471.31), dbSNP rs374353607, ClinGen allele CA3993499.

ClinVar aggregate classification (germline): Likely benign. Review status: criteria provided, multiple submitters, no conflicts (2 of 4 stars). 4 submissions from 4 submitters: Likely benign (4). Last evaluated 2026-01-26.

Conditions:
LAMA2-related muscular dystrophy (LAMA2-RD). Also called: Laminin alpha 2-related dystrophy. Identifiers: MedGen C5679788, MONDO:0100228.

Allele frequency attached by ClinVar (database versions not stated): ExAC 0.00003; TOPMed 0.00003; gnomAD exomes 0.00005; ESP Exome Variant Server 0.00008.
gnomAD v4.1: 54 of 1,614,044 alleles (0.0033%); highest among the groups gnomAD compares: African/African-American, 0.0053%; no homozygotes.

Submissions (4):

Labcorp Genetics (formerly Invitae), Labcorp
Classification: Likely benign for LAMA2-related muscular dystrophy. Last evaluated: 2026-01-26. Review status: criteria provided, single submitter. Criteria: Invitae Variant Classification Sherloc (09022015). Collection method: clinical testing. Allele origin: germline.

Mayo Clinic Laboratories, Mayo Clinic
Classification: Likely benign. Last evaluated: 2025-12-18. Review status: criteria provided, single submitter. Criteria: ACMG Guidelines, 2015. Collection method: clinical testing. Allele origin: germline. Observed: 1 variant allele.
Comment: BP4, BP7

Blueprint Genetics
Classification: Likely benign. Last evaluated: 2024-09-12. Review status: criteria provided, single submitter. Criteria: ACMG Guidelines, 2015. Collection method: clinical testing. Allele origin: germline.

CeGaT Center for Human Genetics Tuebingen
Classification: Likely benign. Last evaluated: 2022-10-01. Review status: criteria provided, single submitter. Criteria: CeGaT Center For Human Genetics Tuebingen Variant Classification Criteria Version 2. Collection method: clinical testing. Allele origin: germline. Affected: yes. Observed: 1 variant allele.
Comment: LAMA2: BP4, BP7